The following is an entry in ClinVar:

ClinVar aggregate classification (germline): Uncertain significance (1 of 4 stars; one submission).

Conditions:
Hereditary cancer-predisposing syndrome. Also called: Hereditary Cancer Syndrome; Hereditary neoplastic syndrome; Neoplastic Syndromes, Hereditary; Tumor predisposition. Identifiers: Orphanet 140162, MedGen C0027672, MeSH D009386, MONDO:0015356.

Submission:

Ambry Genetics
Classification: Uncertain significance for Hereditary cancer-predisposing syndrome. Last evaluated: 2022-06-06. Review status: criteria provided, single submitter. Criteria: Ambry Variant Classification Scheme 2023. Collection method: clinical testing. Allele origin: germline.
Comment: The c.1433-3delC intronic variant, located in intron 9 of the FLCN gene, results from a deletion of one nucleotide within intron 9 of the FLCN gene. This nucleotide position is not well conserved in available vertebrate species. In silico splice site analysis predicts that this alteration will not have any significant effect on splicing. Since supporting evidence is limited at this time, the clinical significance of this alteration remains unclear.

NM_144997.7(FLCN):c.1433-3del

Gene: FLCN (folliculin; minus strand). Cytogenetic location: 17p11.2.
Variant type: Deletion.
Coding change: c.1433-3del on transcript NM_144997.7 (MANE Select); 3 bases into the intron before coding-DNA position 1433, one base deleted (C; older notation c.1433-3delC).
Molecular consequence: intron variant.
Genome position (GRCh38, 1-based): chr17:17,215,093, G deleted on the plus strand (C on the coding strand, the reverse complement: FLCN is on the minus strand); the first of 4 consecutive G bases (chr17:17,215,093-17,215,096); deleting any one gives the same sequence. VCF-style (leftmost placement, unchanged base first): chr17-17215092-TG-T. GRCh37 (hg19) VCF-style: chr17-17118406-TG-T.
Other names: c.1433-3del (NM_001353231.2, NM_001353230.2); c.1487-3del (NM_001353229.2).
Identifiers: ClinVar variation 1772545 (VCV001772545.2), dbSNP rs2544143103, ClinGen allele CA2580092692.